The following is an entry in ClinVar:

NM_000141.5(FGFR2):c.1262G>A (p.Arg421His)

Gene: FGFR2 (fibroblast growth factor receptor 2; minus strand). Cytogenetic location: 10q26.13.
Variant type: single nucleotide variant.
Coding change: c.1262G>A on transcript NM_000141.5 (MANE Select); coding-DNA position 1262, G replaced by A.
Protein change: p.Arg421His; replaces arginine 421 with histidine.
Molecular consequence: missense variant. On other transcripts: non-coding transcript variant (1), intron variant (1).
Genome position (GRCh38, 1-based): chr10:121,515,142, C>T on the plus strand (G>A on the coding strand, the complement: FGFR2 is on the minus strand). VCF-style: chr10-121515142-C-T. GRCh37 (hg19) VCF-style: chr10-123274656-C-T.
Other names: c.1265G>A, p.Arg422His (NM_001144913.1, NM_022970.4); c.926G>A, p.Arg309His (NM_001144914.1); c.995G>A, p.Arg332His (NM_001144915.2, NM_023029.3); c.917G>A, p.Arg306His (NM_001144916.2, NM_001144918.2); c.998G>A, p.Arg333His (NM_001144919.2); c.578G>A, p.Arg193His (NM_001320654.2); c.1262G>A, p.Arg421His (NM_001320658.2); c.939+4837G>A (NM_001144917.2); short protein forms R421H, R422H, R332H, R193H, R309H, R306H, R333H.
Identifiers: ClinVar variation 3590904 (VCV003590904.2).

ClinVar aggregate classification (germline): Uncertain significance. Review status: criteria provided, multiple submitters, no conflicts (2 of 4 stars). 2 submissions from 2 submitters: Uncertain significance (2). Last evaluated 2025-09-01.

Conditions:
FGFR2-related craniosynostosis. Identifiers: MedGen CN231480.
Bent bone dysplasia syndrome 1 (BBDS1). Also called: FGFR2-related bent bone dysplasia. Identifiers: Orphanet 313855, MedGen C3281247, MONDO:0013815, OMIM 614592.
Beare-Stevenson cutis gyrata syndrome (BSTVS). Identifiers: Orphanet 1555, MedGen C1852406, MONDO:0007412, OMIM 123790.
Pfeiffer syndrome (ACS5). Also called: ACS V. Identifiers: Orphanet 710, MedGen C0220658, MONDO:0007043, OMIM 101600.
Gastric cancer. Also called: Stomach cancer; Malignant tumor of stomach. Identifiers: MedGen C0024623, MeSH D013274, MONDO:0001056, OMIM 613659, HP:0012126.
Familial scaphocephaly syndrome, McGillivray type. Also called: SCAPHOCEPHALY, MAXILLARY RETRUSION, AND IMPAIRED INTELLECTUAL DEVELOPMENT. Identifiers: Orphanet 168624, MedGen C1865070, MONDO:0012307, OMIM 609579.
Crouzon syndrome. Also called: CRANIOFACIAL DYSOSTOSIS, TYPE I; Craniofacial dysostosis; Craniofacial dysostosis type 1; Crouzon craniofacial dysostosis; Crouzon disease. Identifiers: Orphanet 207, MedGen C0010273, MeSH D003394, MONDO:0007405, OMIM 123500, HP:0004439.
LADD syndrome 1 (LADD1). Also called: Lacrimoauriculodentodigital syndrome 1. Identifiers: MedGen C5774323, MONDO:0100302, OMIM 149730.
Jackson-Weiss syndrome (JWS). Also called: CRANIOSYNOSTOSIS, MIDFACIAL HYPOPLASIA, AND FOOT ABNORMALITIES. Identifiers: Orphanet 1540, MedGen C0795998, MONDO:0007400, OMIM 123150. Disease mechanism: loss of function.
Antley-Bixler syndrome without genital anomalies or disordered steroidogenesis (ABS2). Also called: MULTISYNOSTOTIC OSTEODYSGENESIS WITH LONG BONE FRACTURES; Antley-Bixler Syndrome, Autosomal Dominant; Trapezoidocephaly synostosis syndrome; Osteodysgenesis, multisynostotic with fractures. Identifiers: Orphanet 596008, Orphanet 83, MedGen C2936791, MONDO:0020667, OMIM 207410.
Acrocephalosyndactyly type I (ACS1). Also called: Apert syndrome; Acrocephalo-syndactyly type 1; ACS 1; Syndactylic oxycephaly. Identifiers: Orphanet 87, MedGen C0001193, MONDO:0007041, OMIM 101200.
Saethre-Chotzen syndrome (SCS). Also called: ACROCEPHALY, SKULL ASYMMETRY, AND MILD SYNDACTYLY; ACS III; CHOTZEN SYNDROME. Identifiers: Orphanet 794, MedGen C0175699, MONDO:0007042, OMIM 101400.

gnomAD v4.1: 9 of 1,614,132 alleles (0.00056%); highest among the groups gnomAD compares: South Asian, 0.0055%; no homozygotes.

Submissions (2):

Labcorp Genetics (formerly Invitae), Labcorp
Classification: Uncertain significance for FGFR2-related craniosynostosis. Last evaluated: 2025-09-01. Review status: criteria provided, single submitter. Criteria: Invitae Variant Classification Sherloc (09022015). Collection method: clinical testing. Allele origin: germline.
Comment: This sequence change replaces arginine, which is basic and polar, with histidine, which is basic and polar, at codon 421 of the FGFR2 protein (p.Arg421His). The frequency data for this variant in the population databases is considered unreliable, as metrics indicate poor data quality at this position in the gnomAD database. This variant has not been reported in the literature in individuals affected with FGFR2-related conditions. ClinVar contains an entry for this variant (Variation ID: 3590904). Invitae Evidence Modeling of protein sequence and biophysical properties (such as structural, functional, and spatial information, amino acid conservation, physicochemical variation, residue mobility, and thermodynamic stability) indicates that this missense variant is not expected to disrupt FGFR2 protein function with a negative predictive value of 80%. In summary, the available evidence is currently insufficient to determine the role of this variant in disease. Therefore, it has been classified as a Variant of Uncertain Significance.

Fulgent Genetics
Classification: Uncertain significance for Acrocephalosyndactyly type I; Saethre-Chotzen syndrome; Pfeiffer syndrome; Jackson-Weiss syndrome; Crouzon syndrome; Beare-Stevenson cutis gyrata syndrome; LADD syndrome 1; Antley-Bixler syndrome without genital anomalies or disordered steroidogenesis; Familial scaphocephaly syndrome, McGillivray type; Gastric cancer; Bent bone dysplasia syndrome 1. Last evaluated: 2024-06-11. Review status: criteria provided, single submitter. Criteria: ACMG Guidelines, 2015. Collection method: clinical testing. Allele origin: germline.